The following is an entry in ClinVar:

ClinVar aggregate classification (germline): Conflicting classifications of pathogenicity. Review status: criteria provided, conflicting classifications (1 of 4 stars). 9 submissions from 9 submitters: Uncertain significance (1); Benign (1); Likely benign (7). Last evaluated 2026-09-01.

Conditions:
Meckel-Gruber syndrome. Also called: DYSENCEPHALIA SPLANCHNOCYSTICA; GRUBER SYNDROME; Dysencephalia splachnocystica. Identifiers: Orphanet 564, MedGen C0265215, MONDO:0018921.
Joubert syndrome. Also called: Familial aplasia of the vermis; JOUBERT-BOLTSHAUSER SYNDROME. Identifiers: Orphanet 475, MedGen C5979921, MONDO:0018772.
Meckel syndrome, type 3 (MKS3). Also called: MECKEL-GRUBER SYNDROME, TYPE 3. Identifiers: Orphanet 564, MedGen C1846357, MONDO:0011821, OMIM 607361.

Allele frequency attached by ClinVar (database versions not stated): 1000 Genomes Project 0.00060; 1000 Genomes Project 30x 0.00078; ExAC 0.00189; gnomAD exomes 0.00201 and 0.00326; TOPMed 0.00207; gnomAD 0.00209 and 0.00213; ESP Exome Variant Server 0.00238.
gnomAD v4.1: 5,027 of 1,613,922 alleles (0.31%); highest among the groups gnomAD compares: Non-Finnish European, 0.38%; 9 homozygotes.

Submissions (14):

CeGaT Center for Human Genetics Tuebingen
Classification: Likely benign. Last evaluated: 2026-09-01. Review status: criteria provided, single submitter. Criteria: CeGaT Center For Human Genetics Tuebingen Variant Classification Criteria Version 2. Collection method: clinical testing. Allele origin: germline. Affected: yes. Observed: 11 variant alleles.
Comment: TMEM67: BS2

Labcorp Genetics (formerly Invitae), Labcorp
Classification: Likely benign for Joubert syndrome; Meckel-Gruber syndrome. Last evaluated: 2026-02-04. Review status: criteria provided, single submitter. Criteria: Invitae Variant Classification Sherloc (09022015). Collection method: clinical testing. Allele origin: germline.

Blueprint Genetics
Classification: Likely benign. Last evaluated: 2024-11-26. Review status: criteria provided, single submitter. Criteria: ACMG Guidelines, 2015. Collection method: clinical testing. Allele origin: germline.

Mayo Clinic Laboratories, Mayo Clinic
Classification: Benign. Last evaluated: 2024-02-12. Review status: criteria provided, single submitter. Criteria: ACMG Guidelines, 2015. Collection method: clinical testing. Allele origin: germline. Observed: 8 variant alleles.
Comment: BS1, BS2

Women's Health and Genetics/Laboratory Corporation of America, LabCorp
Classification: Likely benign. Last evaluated: 2022-02-26. Review status: criteria provided, single submitter. Criteria: LabCorp Variant Classification Summary - May 2015. Collection method: clinical testing. Allele origin: germline.
Comment: Variant summary: TMEM67 c.1309C>G (p.Leu437Val) results in a conservative amino acid change in the encoded protein sequence. Three of five in-silico tools predict a benign effect of the variant on protein function. The variant allele was found at a frequency of 0.002 in 251080 control chromosomes, predominantly at a frequency of 0.0031 within the Non-Finnish European subpopulation in the gnomAD database. The observed variant frequency within Non-Finnish European control individuals in the gnomAD database is approximately 1.75 fold of the estimated maximal expected allele frequency for a pathogenic variant in TMEM67 causing Joubert Syndrome And Related Disorders phenotype (0.0018), strongly suggesting that the variant is a benign polymorphism found primarily in populations of Non-Finnish European origin. Although reported in the literature, to our knowledge, no penetrant association of c.1309C>G in individuals affected with Joubert Syndrome And Related Disorders has been reported. At least one publication reports experimental evidence evaluating an impact on protein function (example, Leitch_2008). These results showed no damaging effect of this variant. Three clinical diagnostic laboratories have submitted clinical-significance assessments for this variant to ClinVar after 2014 without evidence for independent evaluation (likely benign, n=2; VUS, n=1). Based on the evidence outlined above, the variant was classified as likely benign.

GeneDx
Classification: Likely benign. Last evaluated: 2021-03-15. Review status: criteria provided, single submitter. Criteria: GeneDx Variant Classification Process June 2021. Collection method: clinical testing. Allele origin: germline. Affected: yes.
Comment: This variant is associated with the following publications: (PMID: 19574260)

Illumina Laboratory Services, Illumina
Classification: Uncertain significance for Meckel syndrome, type 3. Last evaluated: 2017-04-27. Review status: criteria provided, single submitter. Criteria: ICSL Variant Classification Criteria 13 December 2019. Collection method: clinical testing. Allele origin: germline.
Comment: This variant was observed as part of a predisposition screen in an ostensibly healthy population. A literature search was performed for the gene, cDNA change, and amino acid change (where applicable). Publications were found based on this search. However, the evidence from the literature, in combination with allele frequency data from public databases where available, was not sufficient to rule this variant in or out of causing disease. Therefore, this variant is classified as a variant of unknown significance.

Genetic Services Laboratory, University of Chicago
Classification: Likely benign for AllHighlyPenetrant. Last evaluated: 2014-02-18. Review status: criteria provided, single submitter. Criteria: ACMG Guidelines, 2007. Collection method: clinical testing. Allele origin: germline. Inheritance: Autosomal recessive inheritance. Observed: 1 variant allele.

PreventionGenetics, part of Exact Sciences
Classification: Likely benign. Review status: criteria provided, single submitter. Criteria: ACMG Guidelines, 2015. Collection method: clinical testing. Allele origin: germline.

Dr. Peter K. Rogan Lab, Western University
No classification provided (evidence only). Condition: Melanoma. Review status: no classification provided. Collection method: in vitro. Allele origin: not applicable. Functional consequence: retained intron. Not counted in ClinVar's aggregate classification.

Dr. Peter K. Rogan Lab, Western University
No classification provided (evidence only). Condition: Melanoma. Review status: no classification provided. Collection method: in vitro. Allele origin: not applicable. Functional consequence: retained intron. Not counted in ClinVar's aggregate classification.

Dr. Peter K. Rogan Lab, Western University
No classification provided (evidence only). Condition: Hepatocellular carcinoma. Review status: no classification provided. Collection method: in vitro. Allele origin: not applicable. Functional consequence: retained intron. Not counted in ClinVar's aggregate classification.

Dr. Peter K. Rogan Lab, Western University
No classification provided (evidence only). Condition: Ovarian serous cystadenocarcinoma. Review status: no classification provided. Collection method: in vitro. Allele origin: not applicable. Functional consequence: retained intron. Not counted in ClinVar's aggregate classification.

Dr. Peter K. Rogan Lab, Western University
No classification provided (evidence only). Condition: Gastric cancer. Review status: no classification provided. Collection method: in vitro. Allele origin: not applicable. Functional consequence: retained intron. Not counted in ClinVar's aggregate classification.

Literature cited by the submitters: PubMed 19574260 (cited by 3 submitters); PubMed 32483926 (cited by Mayo Clinic Laboratories, Mayo Clinic); PubMed 34426522 (cited by Mayo Clinic Laboratories, Mayo Clinic); PubMed 34448047 (cited by Mayo Clinic Laboratories, Mayo Clinic); PubMed 18327255 (cited by Women's Health and Genetics/Laboratory Corporation of America, LabCorp).

NM_153704.6(TMEM67):c.1309C>G (p.Leu437Val)

Gene: TMEM67 (transmembrane protein 67; plus strand). Cytogenetic location: 8q22.1.
Variant type: single nucleotide variant.
Coding change: c.1309C>G on transcript NM_153704.6 (MANE Select); coding-DNA position 1309, C replaced by G.
Protein change: p.Leu437Val; replaces leucine 437 with valine.
Molecular consequence: missense variant. On other transcripts: non-coding transcript variant (1).
Genome position (GRCh38, 1-based): chr8:93,786,243, C>G. VCF-style: chr8-93786243-C-G. GRCh37 (hg19) VCF-style: chr8-94798471-C-G.
Other names: c.1066C>G, p.Leu356Val (NM_001142301.1); short protein forms L356V, L437V.
Identifiers: ClinVar variation 126299 (VCV000126299.48), dbSNP rs35765535, ClinGen allele CA150984.